The following is an entry in ClinVar:

NM_001035.3(RYR2):c.499A>G (p.Lys167Glu)

Gene: RYR2 (ryanodine receptor 2; plus strand). Cytogenetic location: 1q43.
Variant type: single nucleotide variant.
Coding change: c.499A>G on transcript NM_001035.3 (MANE Select); coding-DNA position 499, A replaced by G.
Protein change: p.Lys167Glu; replaces lysine 167 with glutamic acid.
Molecular consequence: missense variant.
Genome position (GRCh38, 1-based): chr1:237,377,358, A>G. VCF-style: chr1-237377358-A-G. GRCh37 (hg19) VCF-style: chr1-237540658-A-G.
Other names: p.K167E:AAG>GAG; c.499A>G, p.Lys167Glu (LRG_402t1); short protein forms K167E.
Identifiers: ClinVar variation 201193 (VCV000201193.2), dbSNP rs794728707, ClinGen allele CA009746.

ClinVar aggregate classification (germline): Likely pathogenic (1 of 4 stars; one submission).

Submission:

GeneDx
Classification: Likely pathogenic. Last evaluated: 2017-08-30. Review status: criteria provided, single submitter. Criteria: GeneDx Variant Classification (06012015). Collection method: clinical testing. Allele origin: germline. Affected: yes.
Comment: The K167E likely pathogenic variant in the RYR2 gene has not been published as pathogenic nor has it been reported as benign to our knowledge. This variant is not observed in large population cohorts (Lek et al., 2016; 1000 Genomes Consortium et al., 2015; Exome Variant Server). The K176E variant is a non-conservative amino acid substitution, which is likely to impact secondary protein structure as these residues differ in polarity, charge, size and/or other properties. Furthermore, this substitution occurs at a position that is conserved across species and is located in one of the three hot-spot regions of the RYR2 gene, where the majority of pathogenic missense variants occur (Medeiros-Domingo et al., 2009). Furthermore, in silico analysis predicts this variant is probably damaging to the protein structure/function. Finally, missense variants in nearby residues (A165D, S166C, R169L, R169Q) have been reported in the Human Gene Mutation Database in association with arrhythmia (Stenson et al., 2014), further supporting the functional importance of this region of the protein.